The following is an entry in ClinVar:

NM_000179.3(MSH6):c.702dup (p.Thr235fs)

Gene: MSH6 (mutS homolog 6; plus strand). Cytogenetic location: 2p16.3.
Variant type: Duplication.
Coding change: c.702dup on transcript NM_000179.3 (MANE Select); coding-DNA position 702, one base duplicated (G; older notation c.702dupG).
Protein change: p.Thr235fs; shifts the reading frame from threonine 235.
Molecular consequence: frameshift variant. On other transcripts: 5 prime UTR variant (9), non-coding transcript variant (4), intron variant (1).
Genome position (GRCh38, 1-based): chr2:47,798,685, G duplicated. VCF-style (leftmost placement, unchanged base first): chr2-47798684-A-AG. GRCh37 (hg19) VCF-style: chr2-48025823-A-AG.
Other names: c.405dup, p.Thr136fs (NM_001406828.1, NM_001406830.1, NM_001406797.1 and 10 more transcripts); c.-205dup (NM_001406829.1, NM_001281493.2, NM_001281494.2 and 6 more transcripts); c.628-1981dup (NM_001407362.1); c.312dup, p.Thr105fs (NM_001281492.2); c.798dup, p.Thr267fs (NM_001406795.1, NM_001406802.1); c.702dup, p.Thr235fs (NM_001406796.1, NM_001406798.1, NM_001406800.1 and 4 more transcripts); c.177dup, p.Thr60fs (NM_001406799.1, NM_001406806.1, NM_001406807.1); c.624dup, p.Thr209fs (NM_001406804.1); and 2 more; short protein forms T105fs, T136fs, T179fs, T209fs, T235fs, T237fs, T267fs, T60fs.
Identifiers: ClinVar variation 2673780 (VCV002673780.1), dbSNP rs2530566605, ClinGen allele CA2695200240.
Genomic context (GRCh38, chr2:47,798,684, plus strand): 5'-ACGTAACAGATAAGAGTGAAGAAGATAATGAAATTGAGAGTGAAGAGGAAGTACAGCCTA[A>AG]GACACAAGGATCTAGGCGAAGTAGCCGCCAAATAAAAAAACGAAGGGTCATATCAGATTC-3'

ClinVar aggregate classification (germline): Pathogenic (1 of 4 stars; one submission).

Conditions:
Lynch syndrome 5 (LYNCH5). Also called: Colorectal cancer, hereditary nonpolyposis, type 5; Hereditary non-polyposis colorectal cancer, type 5. Identifiers: Orphanet 144, MedGen C1833477, MONDO:0013710, OMIM 614350. Disease mechanism: loss of function.

Submission:

Myriad Genetics, Inc.
Classification: Pathogenic for Lynch syndrome 5. Last evaluated: 2023-08-10. Review status: criteria provided, single submitter. Criteria: Myriad Autosomal Dominant, Autosomal Recessive and X-Linked Classification Criteria (2023). Collection method: clinical testing. Allele origin: unknown.
Comment: This variant is considered pathogenic. This variant creates a frameshift predicted to result in premature protein truncation.